The following is an entry in ClinVar:

NM_001379451.1(BCORL1):c.26G>A (p.Ser9Asn)

Gene: BCORL1 (BCL6 corepressor like 1; plus strand). Cytogenetic location: Xq26.1.
Variant type: single nucleotide variant.
Coding change: c.26G>A on transcript NM_001379451.1 (MANE Select); coding-DNA position 26, G replaced by A.
Protein change: p.Ser9Asn; replaces serine 9 with asparagine.
Molecular consequence: missense variant.
Genome position (GRCh38, 1-based): chrX:130,005,257, G>A. VCF-style: chrX-130005257-G-A. GRCh37 (hg19) VCF-style: chrX-129139233-G-A.
Other names: c.26G>A, p.Ser9Asn (NM_021946.5, NM_001184772.3, NM_001379450.1); short protein forms S9N.
Identifiers: ClinVar variation 996138 (VCV000996138.3), dbSNP rs1928393361, ClinGen allele CA414561343.

ClinVar aggregate classification (germline): Uncertain significance (1 of 4 stars; one submission).

Conditions:
Shukla-Vernon syndrome. Identifiers: MedGen C5193146, MONDO:0026727, OMIM 301029.

Submission:

Center for Human Genetics and Genomic Medicine, Uniklinik Rwth Aachen
Classification: Uncertain significance for Shukla-Vernon syndrome. Last evaluated: 2021-02-09. Review status: criteria provided, single submitter. Criteria: ACMG Guidelines, 2015. Collection method: clinical testing. Allele origin: maternal. Inheritance: X-linked inheritance. Affected: yes. Observed: 1 variant allele, 1 hemizygote.
Comment: The variant has not yet been reported in the relevant databases (dbSNP151, gnomAD, ClinVar) or in the literature. From a bioinformatics point of view, the change is classified as "likely disease causing" (PolyPhen2, Mutation Taster, SIFT). At this point in time, the variant is to be regarded as a "variant of uncertain clinical significance" (ACMG criteria).